The following is an entry in ClinVar:

ClinVar aggregate classification (germline): Uncertain significance (1 of 4 stars; one submission).

Conditions:
Spastic ataxia 2. Also called: Ataxia, spastic, 2, autosomal recessive. Identifiers: Orphanet 397946, MedGen C1969796, MONDO:0012651, OMIM 611302.

gnomAD v4.1: 1 of 1,610,860 alleles (0.000062%); highest among the groups gnomAD compares: African/African-American, 0.0013%; no homozygotes.

Submission:

Labcorp Genetics (formerly Invitae), Labcorp
Classification: Uncertain significance for Spastic ataxia 2. Last evaluated: 2022-07-06. Review status: criteria provided, single submitter. Criteria: Invitae Variant Classification Sherloc (09022015). Collection method: clinical testing. Allele origin: germline.
Comment: This sequence change replaces arginine, which is basic and polar, with glycine, which is neutral and non-polar, at codon 155 of the KIF1C protein (p.Arg155Gly). In summary, the available evidence is currently insufficient to determine the role of this variant in disease. Therefore, it has been classified as a Variant of Uncertain Significance. Algorithms developed to predict the effect of missense changes on protein structure and function are either unavailable or do not agree on the potential impact of this missense change (SIFT: "Deleterious"; PolyPhen-2: "Benign"; Align-GVGD: "Class C65"). ClinVar contains an entry for this variant (Variation ID: 1363335). This variant has not been reported in the literature in individuals affected with KIF1C-related conditions. This variant is not present in population databases (gnomAD no frequency).

NM_006612.6(KIF1C):c.463C>G (p.Arg155Gly)

Gene: KIF1C (kinesin family member 1C; plus strand). Cytogenetic location: 17p13.2.
Variant type: single nucleotide variant.
Coding change: c.463C>G on transcript NM_006612.6 (MANE Select); coding-DNA position 463, C replaced by G.
Protein change: p.Arg155Gly; replaces arginine 155 with glycine.
Molecular consequence: missense variant.
Genome position (GRCh38, 1-based): chr17:5,002,497, C>G. VCF-style: chr17-5002497-C-G. GRCh37 (hg19) VCF-style: chr17-4905792-C-G.
Other names: short protein forms R155G.
Identifiers: ClinVar variation 1363335 (VCV001363335.8), dbSNP rs1291871672, ClinGen allele CA397345863.